The following is an entry in ClinVar:

NM_001145678.3(KIAA0825):c.2020T>A (p.Tyr674Asn)

Genes: KIAA0825 (KIAA0825; minus strand), LOC126807453 (BRD4-independent group 4 enhancer GRCh37_chr5:93800512-93801711; plus strand). Cytogenetic location: 5q15.
Variant type: single nucleotide variant.
Coding change: c.2020T>A on transcript NM_001145678.3 (MANE Select); coding-DNA position 2020, T replaced by A.
Protein change: p.Tyr674Asn; replaces tyrosine 674 with asparagine.
Molecular consequence: missense variant. On other transcripts: non-coding transcript variant (1).
Genome position (GRCh38, 1-based): chr5:94,464,912, A>T on the plus strand (T>A on the coding strand, the complement: KIAA0825 is on the minus strand). VCF-style: chr5-94464912-A-T. GRCh37 (hg19) VCF-style: chr5-93800617-A-T.
Other names: c.2020T>A, p.Tyr674Asn (NM_001385712.1, NM_001385713.1, NM_001388325.1); short protein forms Y674N.
Identifiers: ClinVar variation 2500277 (VCV002500277.4), dbSNP rs201212314, ClinGen allele CA3344109.

ClinVar aggregate classification (germline): Conflicting classifications of pathogenicity. Review status: criteria provided, conflicting classifications (1 of 4 stars). 3 submissions from 3 submitters: Likely pathogenic (2); Uncertain significance (1). Last evaluated 2026-03-20.

Conditions:
Polydactyly, postaxial, type a10. Identifiers: MedGen C5193129, MONDO:0032785, OMIM 618498.

Allele frequency attached by ClinVar (database versions not stated): ExAC 0.00055; gnomAD exomes 0.00085; 1000 Genomes Project 0.00020; 1000 Genomes Project 30x 0.00016; gnomAD 0.00074; TOPMed 0.00086.
gnomAD v4.1: 1,304 of 1,551,668 alleles (0.084%); highest among the groups gnomAD compares: Non-Finnish European, 0.1%; no homozygotes.

Submissions (3):

Dasa
Classification: Uncertain significance. Last evaluated: 2026-03-20. Review status: criteria provided, single submitter. Criteria: DASA Assertion Criteria. Collection method: clinical testing. Allele origin: germline.
Comment: NM_001145678.3(KIAA0825):c.2020T>A (p.Tyr674Asn) is a missense variant that results in the substitution of tyrosine with asparagine. This variant is rare in population databases. Computational prediction algorithms are consistent with a deleterious effect. The currently available literature and clinical evidence are not sufficient to establish a definitive association between this variant and the reported condition. Therefore, this variant is classified as a variant of uncertain significance.

Laboratoire de Génétique Moléculaire, CHU Bordeaux
Classification: Likely pathogenic for Polydactyly, postaxial, type a10. Last evaluated: 2023-10-25. Review status: criteria provided, single submitter. Criteria: ACMG Guidelines, 2015. Collection method: clinical testing. Allele origin: germline. Affected: yes.

Equipe Genetique des Anomalies du Developpement, Université de Bourgogne
Classification: Likely pathogenic for Polydactyly, postaxial, type a10. Last evaluated: 2023-04-11. Review status: criteria provided, single submitter. Criteria: ACMG Guidelines, 2015. Collection method: clinical testing. Allele origin: maternal. Inheritance: Autosomal recessive inheritance. Affected: yes.
Comment: This variant was observed in heterozygosity with variant c.3451_3456+13del